The following is an entry in ClinVar:

ClinVar aggregate classification (germline): Pathogenic (1 of 4 stars; one submission).

Conditions:
Aortic aneurysm, familial thoracic 4 (AAT4). Also called: AORTIC ANEURYSM/AORTIC DISSECTION AND PATENT DUCTUS ARTERIOSUS. Identifiers: MedGen C1851504, MONDO:0007568, OMIM 132900.

Submission:

Labcorp Genetics (formerly Invitae), Labcorp
Classification: Pathogenic for Aortic aneurysm, familial thoracic 4. Last evaluated: 2022-05-14. Review status: criteria provided, single submitter. Criteria: Invitae Variant Classification Sherloc (09022015). Collection method: clinical testing. Allele origin: germline.
Comment: This variant is a gross deletion of the genomic region encompassing exon(s) 15-25 of the MYH11 gene. This deletion is out-of-frame, and is expected to create a premature termination codon and result in an absent or disrupted protein product. Loss-of-function variants in MYH11 are known to be pathogenic (PMID: 25407000, 29575632). This variant has not been reported in the literature in individuals affected with MYH11-related conditions. For these reasons, this variant has been classified as Pathogenic.

Literature cited by the submitters: PubMed 25407000; PubMed 29575632.

NC_000016.9:g.(?_15832402)_(15850391_?)del

Gene: MYH11 (myosin heavy chain 11; minus strand). Cytogenetic location: 16p13.11.
Variant type: Deletion.
Identifiers: ClinVar variation 2423552 (VCV002423552.4).